The following is an entry in ClinVar:

NM_001378454.1(ALMS1):c.5694T>A (p.Asn1898Lys)

Gene: ALMS1 (ALMS1 centrosome and basal body associated protein; plus strand). Cytogenetic location: 2p13.1.
Variant type: single nucleotide variant.
Coding change: c.5694T>A on transcript NM_001378454.1 (MANE Select); coding-DNA position 5694, T replaced by A.
Protein change: p.Asn1898Lys; replaces asparagine 1898 with lysine.
Molecular consequence: missense variant.
Genome position (GRCh38, 1-based): chr2:73,452,221, T>A. VCF-style: chr2-73452221-T-A. GRCh37 (hg19) VCF-style: chr2-73679348-T-A.
Other names: c.5697T>A, p.Asn1899Lys (NM_015120.4); short protein forms N1898K, N1899K.
Identifiers: ClinVar variation 1310176 (VCV001310176.9), dbSNP rs1317035563, ClinGen allele CA347282996.

ClinVar aggregate classification (germline): Uncertain significance. Review status: criteria provided, multiple submitters, no conflicts (2 of 4 stars). 4 submissions from 4 submitters: Uncertain significance (4). Last evaluated 2024-10-28.

Conditions:
Cardiovascular phenotype. Identifiers: MedGen CN230736.
Alstrom syndrome (ALMS). Identifiers: Orphanet 64, MedGen C0268425, MONDO:0008763, OMIM 203800.

Allele frequency attached by ClinVar (database versions not stated): gnomAD exomes 0.00001; gnomAD 0.00002; TOPMed 0.00002.
gnomAD v4.1: 8 of 1,613,880 alleles (0.0005%); highest among the groups gnomAD compares: African/African-American, 0.0067%; no homozygotes.

Submissions (4):

Labcorp Genetics (formerly Invitae), Labcorp
Classification: Uncertain significance for Alstrom syndrome. Last evaluated: 2024-10-28. Review status: criteria provided, single submitter. Criteria: Invitae Variant Classification Sherloc (09022015). Collection method: clinical testing. Allele origin: germline.
Comment: This sequence change replaces asparagine with lysine at codon 1899 of the ALMS1 protein (p.Asn1899Lys). The asparagine residue is weakly conserved and there is a moderate physicochemical difference between asparagine and lysine. This variant is present in population databases (no rsID available, gnomAD 0.01%). This variant has not been reported in the literature in individuals affected with ALMS1-related conditions. ClinVar contains an entry for this variant (Variation ID: 1310176). Experimental studies and prediction algorithms are not available or were not evaluated, and the functional significance of this variant is currently unknown. In summary, the available evidence is currently insufficient to determine the role of this variant in disease. Therefore, it has been classified as a Variant of Uncertain Significance.

GeneDx
Classification: Uncertain significance. Last evaluated: 2024-02-12. Review status: criteria provided, single submitter. Criteria: GeneDx Variant Classification Process June 2021. Collection method: clinical testing. Allele origin: germline. Affected: yes.
Comment: Has not been previously published as pathogenic or benign to our knowledge; In silico analysis supports that this missense variant does not alter protein structure/function; Not observed at significant frequency in large population cohorts (gnomAD)

Fulgent Genetics
Classification: Uncertain significance for Alstrom syndrome. Last evaluated: 2022-04-22. Review status: criteria provided, single submitter. Criteria: ACMG Guidelines, 2015. Collection method: clinical testing. Allele origin: unknown.

Ambry Genetics
Classification: Uncertain significance for Cardiovascular phenotype. Last evaluated: 2022-02-08. Review status: criteria provided, single submitter. Criteria: Ambry Variant Classification Scheme 2023. Collection method: clinical testing. Allele origin: germline.
Comment: The p.N1899K variant (also known as c.5697T>A), located in coding exon 8 of the ALMS1 gene, results from a T to A substitution at nucleotide position 5697. The asparagine at codon 1899 is replaced by lysine, an amino acid with similar properties. This amino acid position is poorly conserved in available vertebrate species. In addition, this alteration is predicted to be tolerated by in silico analysis. Since supporting evidence is limited at this time, the clinical significance of this alteration remains unclear.